The following is an entry in ClinVar:

NM_015192.4(PLCB1):c.290G>A (p.Arg97His)

Gene: PLCB1 (phospholipase C beta 1; plus strand). Cytogenetic location: 20p12.3.
Variant type: single nucleotide variant.
Coding change: c.290G>A on transcript NM_015192.4 (MANE Select); coding-DNA position 290, G replaced by A.
Protein change: p.Arg97His; replaces arginine 97 with histidine.
Molecular consequence: missense variant.
Genome position (GRCh38, 1-based): chr20:8,628,337, G>A. VCF-style: chr20-8628337-G-A. GRCh37 (hg19) VCF-style: chr20-8608984-G-A.
Other names: c.290G>A, p.Arg97His (NM_182734.3); short protein forms R97H.
Identifiers: ClinVar variation 951664 (VCV000951664.11), dbSNP rs747785129, ClinGen allele CA9759643.

ClinVar aggregate classification (germline): Uncertain significance. Review status: criteria provided, multiple submitters, no conflicts (2 of 4 stars). 2 submissions from 2 submitters: Uncertain significance (2). Last evaluated 2024-05-15.

Conditions:
Developmental and epileptic encephalopathy, 12 (DEE12). Identifiers: MedGen C3150988, MONDO:0013389, OMIM 613722.
Inborn genetic diseases. Identifiers: MedGen C0950123, MeSH D030342.

Allele frequency attached by ClinVar (database versions not stated): gnomAD exomes below 0.00001 and 0.00003; ExAC 0.00001.
gnomAD v4.1: 41 of 1,613,850 alleles (0.0025%); highest among the groups gnomAD compares: Non-Finnish European, 0.0031%; no homozygotes.

Submissions (2):

Labcorp Genetics (formerly Invitae), Labcorp
Classification: Uncertain significance for Developmental and epileptic encephalopathy, 12. Last evaluated: 2024-05-15. Review status: criteria provided, single submitter. Criteria: Invitae Variant Classification Sherloc (09022015). Collection method: clinical testing. Allele origin: germline.
Comment: This sequence change replaces arginine, which is basic and polar, with histidine, which is basic and polar, at codon 97 of the PLCB1 protein (p.Arg97His). This variant is present in population databases (rs747785129, gnomAD 0.0009%). This variant has not been reported in the literature in individuals affected with PLCB1-related conditions. ClinVar contains an entry for this variant (Variation ID: 951664). Advanced modeling of protein sequence and biophysical properties (such as structural, functional, and spatial information, amino acid conservation, physicochemical variation, residue mobility, and thermodynamic stability) performed at Invitae indicates that this missense variant is not expected to disrupt PLCB1 protein function with a negative predictive value of 80%. In summary, the available evidence is currently insufficient to determine the role of this variant in disease. Therefore, it has been classified as a Variant of Uncertain Significance.

Ambry Genetics
Classification: Uncertain significance for Inborn genetic diseases. Last evaluated: 2024-02-28. Review status: criteria provided, single submitter. Criteria: Ambry Variant Classification Scheme 2023. Collection method: clinical testing. Allele origin: germline.